The following is an entry in ClinVar:

ClinVar aggregate classification (germline): Uncertain significance (1 of 4 stars; one submission).

Allele frequency attached by ClinVar (database versions not stated): gnomAD exomes below 0.00001; ExAC 0.00001.

Submission:

Labcorp Genetics (formerly Invitae), Labcorp
Classification: Uncertain significance. Last evaluated: 2021-10-28. Review status: criteria provided, single submitter. Criteria: Invitae Variant Classification Sherloc (09022015). Collection method: clinical testing. Allele origin: germline.
Comment: This variant has not been reported in the literature in individuals affected with MYO18B-related conditions. In summary, the available evidence is currently insufficient to determine the role of this variant in disease. Therefore, it has been classified as a Variant of Uncertain Significance. Algorithms developed to predict the effect of missense changes on protein structure and function output the following: SIFT: "Not Available"; PolyPhen-2: "Benign"; Align-GVGD: "Not Available". The asparagine amino acid residue is found in multiple mammalian species, which suggests that this missense change does not adversely affect protein function. The frequency data for this variant in the population databases is considered unreliable, as metrics indicate poor data quality at this position in the gnomAD database. This sequence change replaces serine, which is neutral and polar, with asparagine, which is neutral and polar, at codon 326 of the MYO18B protein (p.Ser326Asn).

NM_032608.7(MYO18B):c.977G>A (p.Ser326Asn)

Gene: MYO18B (myosin XVIIIB; plus strand). Cytogenetic location: 22q12.1.
Variant type: single nucleotide variant.
Coding change: c.977G>A on transcript NM_032608.7 (MANE Select); coding-DNA position 977, G replaced by A.
Protein change: p.Ser326Asn; replaces serine 326 with asparagine.
Molecular consequence: missense variant.
Genome position (GRCh38, 1-based): chr22:25,768,893, G>A. VCF-style: chr22-25768893-G-A. GRCh37 (hg19) VCF-style: chr22-26164860-G-A.
Other names: c.977G>A, p.Ser326Asn (NM_001318245.2); short protein forms S326N.
Identifiers: ClinVar variation 1390019 (VCV001390019.6), dbSNP rs776115149, ClinGen allele CA10159736.
Genomic context (GRCh38, chr22:25,768,893, plus strand): 5'-GGAAGCACGTAAGGCCCCAAATCCCTGGGAGAAAGTGGGGAGGTTTCCTGGGAAGAAGGA[G>A]TAAGTGGGACGGTCCCCAGAATAAGAAGGACAAAGAAGGGGTGCTCTTAAGTAAGGCAGA-3'
Protein context (NP_115997.5, residues 316-336): RKWGGFLGRR[Ser326Asn]KWDGPQNKKD